The following is an entry in ClinVar:

ClinVar aggregate classification (germline): Conflicting classifications of pathogenicity. Review status: criteria provided, conflicting classifications (1 of 4 stars). 6 submissions from 6 submitters: Likely pathogenic (3); Uncertain significance (3). Last evaluated 2025-12-05.

Conditions:
PNKP-related disorder. Also called: PNKP-related condition; PNKP-related disorders.
Inborn genetic diseases. Identifiers: MedGen C0950123, MeSH D030342.
Developmental and epileptic encephalopathy, 12 (DEE12). Identifiers: MedGen C3150988, MONDO:0013389, OMIM 613722.
Microcephaly, seizures, and developmental delay. Identifiers: Orphanet 1934, MedGen C3150667, MONDO:0013254, OMIM 613402.

Allele frequency attached by ClinVar (database versions not stated): TOPMed 0.00004.
gnomAD v4.1: 63 of 1,558,160 alleles (0.004%); highest among the groups gnomAD compares: Admixed American, 0.0058%; no homozygotes.

Submissions (6):

PreventionGenetics, part of Exact Sciences
Classification: Uncertain significance for PNKP-related condition. Last evaluated: 2025-12-05. Review status: criteria provided, single submitter. Criteria: ACMG Guidelines, 2015. Collection method: clinical testing. Allele origin: germline.
Comment: The PNKP c.1385G>C variant is predicted to result in the amino acid substitution p.Arg462Pro. This variant was reported in the compound heterozygous state in an individual with ataxia with oculomotor apraxia, type 4 (Paucar et al. 2016. PubMed ID: 27066586). This variant was also reported in the homozygous state in an individual with microcephaly, primordial dwarfism, developmental delay, severe tonic clonic seizures, cerebellar atrophy, and agenesis of the corpus callosum (Nair et al. 2016. PubMed ID: 27232581). This residue resides in the lid subdomain helix of the P-loop kinase, which interacts with bound ATP (Nair et al. 2016. PubMed ID: 27232581). This variant is reported in 0.23% of alleles in individuals of Ashkenazi Jewish descent in gnomAD. Although we suspect that this variant may be pathogenic, at this time, the clinical significance of this variant is uncertain due to the absence of conclusive functional and genetic evidence.

GeneDx
Classification: Uncertain significance. Last evaluated: 2025-05-02. Review status: criteria provided, single submitter. Criteria: GeneDx Variant Classification Process June 2021. Collection method: clinical testing. Allele origin: germline. Affected: yes.
Comment: Observed in a patient with ataxia and oculomotor apraxia type 4 who also harbored a second PNKP variant in trans (PMID: 27066586); In silico analysis supports that this missense variant has a deleterious effect on protein structure/function; This variant is associated with the following publications: (PMID: 31436889, 29891053, 22508754, 27232581, 27066586, 30956058, 39509559)

Ambry Genetics
Classification: Likely pathogenic for Inborn genetic diseases. Last evaluated: 2024-12-24. Review status: criteria provided, single submitter. Criteria: Ambry Variant Classification Scheme 2023. Collection method: clinical testing. Allele origin: germline.
Comment: The c.1385G>C (p.R462P) alteration is located in exon 15 (coding exon 14) of the PNKP gene. This alteration results from a G to C substitution at nucleotide position 1385, causing the arginine (R) at amino acid position 462 to be replaced by a proline (P). Based on data from gnomAD, the C allele has an overall frequency of 0.013% (25/192352) total alleles studied. The highest observed frequency was 0.229% (20/8732) of Ashkenazi Jewish alleles. This variant has been identified in the homozygous state and/or in conjunction with other PNKP variant(s) in individual(s) with features consistent with PNKP-related neurological disorder; in at least one instance, the variants were identified in trans (Paucar, 2016; Nair, 2016; Ambry internal data). This amino acid position is highly conserved in available vertebrate species. The in silico prediction for this alteration is inconclusive. Based on the available evidence, this alteration is classified as likely pathogenic.

Labcorp Genetics (formerly Invitae), Labcorp
Classification: Likely pathogenic for Developmental and epileptic encephalopathy, 12. Last evaluated: 2024-12-05. Review status: criteria provided, single submitter. Criteria: Invitae Variant Classification Sherloc (09022015). Collection method: clinical testing. Allele origin: germline.
Comment: This sequence change replaces arginine, which is basic and polar, with proline, which is neutral and non-polar, at codon 462 of the PNKP protein (p.Arg462Pro). This variant is present in population databases (rs376854895, gnomAD 0.2%). This missense change has been observed in individuals with PNKP-related conditions (PMID: 27066586, 27232581; internal data). ClinVar contains an entry for this variant (Variation ID: 206414). An algorithm developed to predict the effect of missense changes on protein structure and function (PolyPhen-2) suggests that this variant is likely to be disruptive. In summary, the currently available evidence indicates that the variant is pathogenic, but additional data are needed to prove that conclusively. Therefore, this variant has been classified as Likely Pathogenic.

Illumina Laboratory Services, Illumina
Classification: Uncertain significance for Microcephaly, seizures, and developmental delay. Last evaluated: 2018-01-13. Review status: criteria provided, single submitter. Criteria: ICSL Variant Classification Criteria 13 December 2019. Collection method: clinical testing. Allele origin: germline.

Clinical Genetics and Genomics, Karolinska University Hospital
Classification: Likely pathogenic. Last evaluated: 2015-02-19. Review status: criteria provided, single submitter. Criteria: ACMG Guidelines, 2015. Collection method: clinical testing. Allele origin: germline. Affected: yes. Observed: 2 variant alleles.

Literature cited by the submitters: PubMed 27066586 (cited by Ambry Genetics and Labcorp Genetics (formerly Invitae), Labcorp); PubMed 27232581 (cited by Ambry Genetics and Labcorp Genetics (formerly Invitae), Labcorp).

NM_007254.4(PNKP):c.1385G>C (p.Arg462Pro)

Gene: PNKP (polynucleotide kinase 3'-phosphatase; minus strand). Cytogenetic location: 19q13.33.
Variant type: single nucleotide variant.
Coding change: c.1385G>C on transcript NM_007254.4 (MANE Select); coding-DNA position 1385, G replaced by C.
Protein change: p.Arg462Pro; replaces arginine 462 with proline.
Molecular consequence: missense variant.
Genome position (GRCh38, 1-based): chr19:49,861,609, C>G on the plus strand (G>C on the coding strand, the complement: PNKP is on the minus strand). VCF-style: chr19-49861609-C-G. GRCh37 (hg19) VCF-style: chr19-50364866-C-G.
Other names: p.R462P:CGG>CCG; short protein forms R462P.
Identifiers: ClinVar variation 206414 (VCV000206414.27), dbSNP rs376854895, ClinGen allele CA316505.